The following is an entry in ClinVar:

NM_001715.3(BLK):c.1170G>A (p.Thr390=)

Gene: BLK (BLK proto-oncogene, Src family tyrosine kinase). Cytogenetic location: 8p23.1.
Variant type: single nucleotide variant.
Coding change: c.1170G>A on transcript NM_001715.3 (MANE Select); coding-DNA position 1170, G replaced by A.
Protein change: p.Thr390=; no amino-acid change (threonine 390 retained).
Molecular consequence: synonymous variant.
Genome position (GRCh38, 1-based): chr8:11,561,442, G>A. VCF-style: chr8-11561442-G-A. GRCh37 (hg19) VCF-style: chr8-11418951-G-A.
Other names: c.957G>A, p.Thr319= (NM_001330465.2).
Identifiers: ClinVar variation 4980569 (VCV004980569.1).

ClinVar aggregate classification (germline): Likely benign (1 of 4 stars; one submission).

Conditions:
BLK-related disorder. Also called: BLK-related condition.

gnomAD v4.1: 101 of 1,613,626 alleles (0.0063%); highest among the groups gnomAD compares: Non-Finnish European, 0.0072%; no homozygotes.

Submission:

PreventionGenetics, part of Exact Sciences
Classification: Likely benign for BLK-related condition. Last evaluated: 2025-10-26. Review status: criteria provided, single submitter. Criteria: ACMG Guidelines, 2015. Collection method: clinical testing. Allele origin: germline.
Comment: This variant is classified as likely benign based on ACMG/AMP sequence variant interpretation guidelines (Richards et al. 2015 PMID: 25741868, with internal and published modifications).